The following is an entry in ClinVar:

NM_015311.3(OBSL1):c.590T>C (p.Leu197Pro)

Gene: OBSL1 (obscurin like cytoskeletal adaptor 1; minus strand). Cytogenetic location: 2q35.
Variant type: single nucleotide variant.
Coding change: c.590T>C on transcript NM_015311.3 (MANE Select); coding-DNA position 590, T replaced by C.
Protein change: p.Leu197Pro; replaces leucine 197 with proline.
Molecular consequence: missense variant.
Genome position (GRCh38, 1-based): chr2:219,570,643, A>G on the plus strand (T>C on the coding strand, the complement: OBSL1 is on the minus strand). VCF-style: chr2-219570643-A-G. GRCh37 (hg19) VCF-style: chr2-220435365-A-G.
Other names: c.590T>C, p.Leu197Pro (NM_001173408.2, NM_001173431.2); short protein forms L197P.
Identifiers: ClinVar variation 1463185 (VCV001463185.5), dbSNP rs531223966, ClinGen allele CA66038973.

ClinVar aggregate classification (germline): Uncertain significance (1 of 4 stars; one submission).

Allele frequency attached by ClinVar (database versions not stated): gnomAD exomes 0.00001; gnomAD 0.00002; TOPMed 0.00002; 1000 Genomes Project 0.00020; 1000 Genomes Project 30x 0.00031.
gnomAD v4.1: 16 of 1,509,234 alleles (0.0011%); highest among the groups gnomAD compares: South Asian, 0.011%; no homozygotes.

Submission:

Labcorp Genetics (formerly Invitae), Labcorp
Classification: Uncertain significance. Last evaluated: 2021-08-31. Review status: criteria provided, single submitter. Criteria: Invitae Variant Classification Sherloc (09022015). Collection method: clinical testing. Allele origin: germline.
Comment: This sequence change replaces leucine with proline at codon 197 of the OBSL1 protein (p.Leu197Pro). The leucine residue is weakly conserved and there is a moderate physicochemical difference between leucine and proline. The frequency data for this variant in the population databases is considered unreliable, as metrics indicate insufficient coverage at this position in the ExAC database. This variant has not been reported in the literature in individuals affected with OBSL1-related conditions. Algorithms developed to predict the effect of missense changes on protein structure and function output the following: SIFT: "Tolerated"; PolyPhen-2: "Benign"; Align-GVGD: "Class C0". The proline amino acid residue is found in multiple mammalian species, which suggests that this missense change does not adversely affect protein function. In summary, the available evidence is currently insufficient to determine the role of this variant in disease. Therefore, it has been classified as a Variant of Uncertain Significance.